The following is an entry in ClinVar:

NM_004415.4(DSP):c.3153C>A (p.Asn1051Lys)

Gene: DSP (desmoplakin; plus strand). Cytogenetic location: 6p24.3.
Variant type: single nucleotide variant.
Coding change: c.3153C>A on transcript NM_004415.4 (MANE Select); coding-DNA position 3153, C replaced by A.
Protein change: p.Asn1051Lys; replaces asparagine 1051 with lysine.
Molecular consequence: missense variant.
Genome position (GRCh38, 1-based): chr6:7,579,343, C>A. VCF-style: chr6-7579343-C-A. GRCh37 (hg19) VCF-style: chr6-7579576-C-A.
Other names: p.Asn1051Lys; c.3153C>A (LRG_423t1); c.3153C>A, p.Asn1051Lys (NM_001008844.3, NM_001319034.2); short protein forms N1051K.
Identifiers: ClinVar variation 629369 (VCV000629369.17), dbSNP rs563387839, ClinGen allele CA362683135.

ClinVar aggregate classification (germline): Uncertain significance. Review status: criteria provided, multiple submitters, no conflicts (2 of 4 stars). 5 submissions from 5 submitters: Uncertain significance (5). Last evaluated 2024-07-26.

Conditions:
Arrhythmogenic cardiomyopathy with wooly hair and keratoderma. Also called: PALMOPLANTAR KERATODERMA WITH LEFT VENTRICULAR CARDIOMYOPATHY AND WOOLLY HAIR; Carvajal syndrome; Dilated cardiomyopathy with woolly hair and keratoderma; Arrhythmogenic cardiomyopathy with woolly hair and keratoderma. Identifiers: Orphanet 65282, MedGen C1854063, MONDO:0011581, OMIM 605676.
Arrhythmogenic right ventricular dysplasia 8 (ARVD8). Also called: ARRHYTHMOGENIC RIGHT VENTRICULAR DYSPLASIA, FAMILIAL, 8; ARRHYTHMOGENIC RIGHT VENTRICULAR CARDIOMYOPATHY 8; Arrhythmogenic Right Ventricular Dysplasia/Cardiomyopathy 8. Identifiers: MedGen C1843896, MONDO:0011831, OMIM 607450.
Cardiomyopathy (CMYO). Also called: Cardiomyopathies. Identifiers: Orphanet 167848, MedGen C0878544, MONDO:0004994, HP:0001638. Inheritance: Various modes of inheritance.
Cardiovascular phenotype. Identifiers: MedGen CN230736.
Woolly hair-skin fragility syndrome (WHSF). Identifiers: Orphanet 293165, MedGen C1843292, MONDO:0957307, OMIM 620415.
Cardiomyopathy, dilated, with wooly hair, keratoderma, and tooth agenesis. Also called: Cardiomyopathy, dilated, with woolly hair, keratoderma, and tooth agenesis; Erythrokeratodermia-cardiomyopathy syndrome. Identifiers: Orphanet 476096, Orphanet 65282, MedGen C4014393, MONDO:0014355, OMIM 615821.
Lethal acantholytic epidermolysis bullosa (EBLA). Identifiers: Orphanet 158687, MedGen C1864826, MONDO:0012323, OMIM 609638.
Keratosis palmoplantaris striata 2. Also called: KERATODERMA, PALMOPLANTAR, STRIATE FORM II; STRIATE PALMOPLANTAR KERATODERMA II; Keratosis palmoplantaris striata II. Identifiers: MedGen C1852127, MONDO:0013034, OMIM 612908.

Allele frequency attached by ClinVar (database versions not stated): TOPMed 0.00002; gnomAD 0.00003.
gnomAD v4.1: 11 of 1,614,022 alleles (0.00068%); highest among the groups gnomAD compares: African/African-American, 0.0013%; no homozygotes.

Submissions (5):

Labcorp Genetics (formerly Invitae), Labcorp
Classification: Uncertain significance for Arrhythmogenic cardiomyopathy with wooly hair and keratoderma; Arrhythmogenic right ventricular dysplasia 8. Last evaluated: 2024-07-26. Review status: criteria provided, single submitter. Criteria: Invitae Variant Classification Sherloc (09022015). Collection method: clinical testing. Allele origin: germline.
Comment: This sequence change replaces asparagine, which is neutral and polar, with lysine, which is basic and polar, at codon 1051 of the DSP protein (p.Asn1051Lys). This variant is present in population databases (no rsID available, gnomAD 0.007%). This variant has not been reported in the literature in individuals affected with DSP-related conditions. ClinVar contains an entry for this variant (Variation ID: 629369). An algorithm developed to predict the effect of missense changes on protein structure and function (PolyPhen-2) suggests that this variant is likely to be disruptive. In summary, the available evidence is currently insufficient to determine the role of this variant in disease. Therefore, it has been classified as a Variant of Uncertain Significance.

Color Diagnostics, LLC DBA Color Health
Classification: Uncertain significance for Cardiomyopathy. Last evaluated: 2024-03-06. Review status: criteria provided, single submitter. Criteria: ACMG Guidelines, 2015. Collection method: clinical testing. Allele origin: germline.
Comment: This missense variant replaces asparagine with lysine at codon 1051 of the DSP protein. Computational prediction suggests that this variant may not impact protein structure and function (internally defined REVEL score threshold <= 0.5, PMID: 27666373). To our knowledge, functional studies have not been reported for this variant. This variant has not been reported in individuals affected with DSP-related disorders in the literature. This variant has been identified in 1/31400 chromosomes in the general population by the Genome Aggregation Database (gnomAD). The available evidence is insufficient to determine the role of this variant in disease conclusively. Therefore, this variant is classified as a Variant of Uncertain Significance.

Mayo Clinic Laboratories, Mayo Clinic
Classification: Uncertain significance. Last evaluated: 2023-02-23. Review status: criteria provided, single submitter. Criteria: ACMG Guidelines, 2015. Collection method: clinical testing. Allele origin: germline. Observed: 1 variant allele.
Comment: BP4

Ambry Genetics
Classification: Uncertain significance for Cardiovascular phenotype. Last evaluated: 2022-06-24. Review status: criteria provided, single submitter. Criteria: Ambry Variant Classification Scheme 2023. Collection method: clinical testing. Allele origin: germline.

Fulgent Genetics
Classification: Uncertain significance for Arrhythmogenic cardiomyopathy with wooly hair and keratoderma; Arrhythmogenic right ventricular dysplasia 8; Lethal acantholytic epidermolysis bullosa; Keratosis palmoplantaris striata 2; Cardiomyopathy, dilated, with wooly hair, keratoderma, and tooth agenesis. Last evaluated: 2021-11-08. Review status: criteria provided, single submitter. Criteria: ACMG Guidelines, 2015. Collection method: clinical testing. Allele origin: unknown.